The following is an entry in ClinVar:

ClinVar aggregate classification (germline): Uncertain significance (1 of 4 stars; one submission).

Submission:

CeGaT Center for Human Genetics Tuebingen
Classification: Uncertain significance. Last evaluated: 2025-04-01. Review status: criteria provided, single submitter. Criteria: CeGaT Center For Human Genetics Tuebingen Variant Classification Criteria Version 2. Collection method: clinical testing. Allele origin: germline. Affected: yes. Observed: 1 variant allele.
Comment: SPEN: PM2, BP4

NM_015001.3(SPEN):c.8983C>T (p.Pro2995Ser)

Gene: SPEN (spen family transcriptional repressor; plus strand). Cytogenetic location: 1p36.13.
Variant type: single nucleotide variant.
Coding change: c.8983C>T on transcript NM_015001.3 (MANE Select); coding-DNA position 8983, C replaced by T.
Protein change: p.Pro2995Ser; replaces proline 2995 with serine.
Molecular consequence: missense variant.
Genome position (GRCh38, 1-based): chr1:15,935,223, C>T. VCF-style: chr1-15935223-C-T. GRCh37 (hg19) VCF-style: chr1-16261718-C-T.
Other names: short protein forms P2995S.
Identifiers: ClinVar variation 3898454 (VCV003898454.7).